The following is an entry in ClinVar:

ClinVar aggregate classification (germline): Uncertain significance (1 of 4 stars; one submission).

Submission:

GeneDx
Classification: Uncertain significance. Last evaluated: 2026-01-22. Review status: criteria provided, single submitter. Criteria: GeneDx Variant Classification Process June 2021. Collection method: clinical testing. Allele origin: germline.
Comment: Not observed at significant frequency in large population cohorts (gnomAD); In silico analysis suggests that this missense variant does not alter protein structure/function; Has not been previously published as pathogenic or benign to our knowledge; Reported using an alternate transcript of the gene

NM_006180.6(NTRK2):c.1633+4370C>G

Gene: NTRK2 (neurotrophic receptor tyrosine kinase 2; plus strand). Cytogenetic location: 9q21.33.
Variant type: single nucleotide variant.
Coding change: c.1633+4370C>G on transcript NM_006180.6 (MANE Select); 4370 bases into the intron after coding-DNA position 1633, C replaced by G.
Molecular consequence: intron variant. On other transcripts: missense variant (4).
Genome position (GRCh38, 1-based): chr9:84,871,801, C>G. VCF-style: chr9-84871801-C-G. GRCh37 (hg19) VCF-style: chr9-87486716-C-G.
Other names: c.1646C>G, p.Ser549Cys (NM_001018065.2, NM_001369537.1); c.1598C>G, p.Ser533Cys (NM_001018066.3, NM_001369538.1); c.1585+4370C>G (NM_001369532.1, NM_001369533.1, NM_001018064.3); c.1549+4370C>G (NM_001369534.1); c.1165+4370C>G (NM_001369536.1); c.1117+4370C>G (NM_001369535.1); short protein forms S533C, S549C.
Identifiers: ClinVar variation 4975164 (VCV004975164.1).